The following is an entry in ClinVar:

NM_001184.4(ATR):c.6325C>T (p.Arg2109Cys)

Gene: ATR (ATR checkpoint kinase; minus strand). Cytogenetic location: 3q23.
Variant type: single nucleotide variant.
Coding change: c.6325C>T on transcript NM_001184.4 (MANE Select); coding-DNA position 6325, C replaced by T.
Protein change: p.Arg2109Cys; replaces arginine 2109 with cysteine.
Molecular consequence: missense variant.
Genome position (GRCh38, 1-based): chr3:142,469,564, G>A on the plus strand (C>T on the coding strand, the complement: ATR is on the minus strand). VCF-style: chr3-142469564-G-A. GRCh37 (hg19) VCF-style: chr3-142188406-G-A.
Other names: c.6133C>T, p.Arg2045Cys (NM_001354579.2); c.6325C>T (NM_001184.3); short protein forms R2045C, R2109C.
Identifiers: ClinVar variation 1497356 (VCV001497356.10), dbSNP rs910993590, ClinGen allele CA84733480.

ClinVar aggregate classification (germline): Uncertain significance. Review status: criteria provided, multiple submitters, no conflicts (2 of 4 stars). 2 submissions from 2 submitters: Uncertain significance (2). Last evaluated 2025-07-03.

Conditions:
Inborn genetic diseases. Identifiers: MedGen C0950123, MeSH D030342.

Allele frequency attached by ClinVar (database versions not stated): gnomAD exomes below 0.00001 and 0.00001; gnomAD 0.00002; TOPMed 0.00002.

Submissions (2):

Labcorp Genetics (formerly Invitae), Labcorp
Classification: Uncertain significance. Last evaluated: 2025-07-03. Review status: criteria provided, single submitter. Criteria: Invitae Variant Classification Sherloc (09022015). Collection method: clinical testing. Allele origin: germline.
Comment: This sequence change replaces arginine, which is basic and polar, with cysteine, which is neutral and slightly polar, at codon 2109 of the ATR protein (p.Arg2109Cys). The frequency data for this variant in the population databases is considered unreliable, as metrics indicate poor data quality at this position in the gnomAD database. This variant has not been reported in the literature in individuals affected with ATR-related conditions. ClinVar contains an entry for this variant (Variation ID: 1497356). An algorithm developed to predict the effect of missense changes on protein structure and function (PolyPhen-2) suggests that this variant is likely to be disruptive. In summary, the available evidence is currently insufficient to determine the role of this variant in disease. Therefore, it has been classified as a Variant of Uncertain Significance.

Ambry Genetics
Classification: Uncertain significance for Inborn genetic diseases. Last evaluated: 2023-03-24. Review status: criteria provided, single submitter. Criteria: Ambry Variant Classification Scheme 2023. Collection method: clinical testing. Allele origin: germline.